The following is an entry in ClinVar:

ClinVar aggregate classification (germline): Likely benign (0 of 4 stars; one submission).

Conditions:
AIFM1-related disorder. Also called: AIFM1-related condition.

Allele frequency attached by ClinVar (database versions not stated): ExAC 0.00001.

Submission:

PreventionGenetics, part of Exact Sciences
Classification: Likely benign for AIFM1-related condition. Last evaluated: 2020-11-24. Review status: no assertion criteria provided. Collection method: clinical testing. Allele origin: germline.
Comment: This variant is classified as likely benign based on ACMG/AMP sequence variant interpretation guidelines (Richards et al. 2015 PMID: 25741868, with internal and published modifications).

NM_004208.4(AIFM1):c.782-9T>C

Genes: AIFM1 (apoptosis inducing factor mitochondria associated 1; minus strand), RAB33A (RAB33A, member RAS oncogene family; plus strand). Cytogenetic location: Xq26.1.
Variant type: single nucleotide variant.
Coding change: c.782-9T>C on transcript NM_004208.4 (MANE Select); 9 bases into the intron before coding-DNA position 782, T replaced by C.
Molecular consequence: intron variant.
Genome position (GRCh38, 1-based): chrX:130,139,880, A>G on the plus strand (T>C on the coding strand, the complement: AIFM1 is on the minus strand). VCF-style: chrX-130139880-A-G. GRCh37 (hg19) VCF-style: chrX-129273855-A-G.
Other names: c.770-9T>C (NM_145812.3); c.782-9T>C (NM_001130847.4).
Identifiers: ClinVar variation 3032619 (VCV003032619.2), dbSNP rs767018511, ClinGen allele CA10515390.